The following is an entry in ClinVar:

ClinVar aggregate classification (germline): Benign. Review status: criteria provided, multiple submitters, no conflicts (2 of 4 stars). 2 submissions from 2 submitters: Benign (2). Last evaluated 2018-06-14.

Allele frequency attached by ClinVar (database versions not stated): TOPMed 0.36110; 1000 Genomes Project 30x 0.36337; 1000 Genomes Project 0.36422; gnomAD 0.37031 and 0.37478; gnomAD exomes 0.44030.
gnomAD v4.1: 91,051 of 229,648 alleles (40%); highest among the groups gnomAD compares: Middle Eastern, 49%; 18,961 homozygotes.

Submissions (2):

GeneDx
Classification: Benign. Last evaluated: 2018-06-14. Review status: criteria provided, single submitter. Criteria: GeneDx Variant Classification (06012015). Collection method: clinical testing. Allele origin: germline. Affected: yes.
Comment: This variant is considered likely benign or benign based on one or more of the following criteria: it is a conservative change, it occurs at a poorly conserved position in the protein, it is predicted to be benign by multiple in silico algorithms, and/or has population frequency not consistent with disease.

Breakthrough Genomics
Classification: Benign. Review status: criteria provided, single submitter. Criteria: ACMG Guidelines, 2015. Collection method: not provided. Allele origin: germline. Inheritance: Autosomal recessive inheritance. Affected: yes.

NM_020944.3(GBA2):c.-313C>T

Genes: GBA2 (glucosylceramidase beta 2; minus strand), LOC130001725 (ATAC-STARR-seq lymphoblastoid silent region 19876; plus strand). Cytogenetic location: 9p13.3.
Variant type: single nucleotide variant.
Coding change: c.-313C>T on transcript NM_020944.3 (MANE Select); 313 bases upstream of the start codon, C replaced by T.
Molecular consequence: 5 prime UTR variant.
Genome position (GRCh38, 1-based): chr9:35,749,017, G>A on the plus strand (C>T on the coding strand, the complement: GBA2 is on the minus strand). VCF-style: chr9-35749017-G-A. GRCh37 (hg19) VCF-style: chr9-35749014-G-A.
Other names: c.-313C>T (NM_001330660.2).
Identifiers: ClinVar variation 679845 (VCV000679845.2), dbSNP rs1570247, ClinGen allele CA12954693.